The following is an entry in ClinVar:

NM_002335.4(LRP5):c.1678T>C (p.Trp560Arg)

Gene: LRP5 (LDL receptor related protein 5; plus strand). Cytogenetic location: 11q13.2.
Variant type: single nucleotide variant.
Coding change: c.1678T>C on transcript NM_002335.4 (MANE Select); coding-DNA position 1678, T replaced by C.
Protein change: p.Trp560Arg; replaces tryptophan 560 with arginine.
Molecular consequence: missense variant. On other transcripts: 5 prime UTR variant (1).
Genome position (GRCh38, 1-based): chr11:68,403,576, T>C. VCF-style: chr11-68403576-T-C. GRCh37 (hg19) VCF-style: chr11-68171044-T-C.
Other names: c.-260T>C (NM_001291902.2); short protein forms W560R.
Identifiers: ClinVar variation 1320674 (VCV001320674.8), dbSNP rs1192536581, ClinGen allele CA381614281.

ClinVar aggregate classification (germline): Uncertain significance. Review status: criteria provided, multiple submitters, no conflicts (2 of 4 stars). 3 submissions from 3 submitters: Uncertain significance (3). Last evaluated 2025-11-02.

Conditions:
Inborn genetic diseases. Identifiers: MedGen C0950123, MeSH D030342.

Allele frequency attached by ClinVar (database versions not stated): gnomAD exomes below 0.00001; TOPMed 0.00002.

Submissions (3):

Ambry Genetics
Classification: Uncertain significance for Inborn genetic diseases. Last evaluated: 2025-11-02. Review status: criteria provided, single submitter. Criteria: Ambry Variant Classification Scheme 2023. Collection method: clinical testing. Allele origin: germline.

Labcorp Genetics (formerly Invitae), Labcorp
Classification: Uncertain significance. Last evaluated: 2025-10-26. Review status: criteria provided, single submitter. Criteria: Invitae Variant Classification Sherloc (09022015). Collection method: clinical testing. Allele origin: germline.
Comment: This sequence change replaces tryptophan, which is neutral and slightly polar, with arginine, which is basic and polar, at codon 560 of the LRP5 protein (p.Trp560Arg). This variant is not present in population databases (gnomAD no frequency). This variant has not been reported in the literature in individuals affected with LRP5-related conditions. ClinVar contains an entry for this variant (Variation ID: 1320674). Invitae Evidence Modeling of protein sequence and biophysical properties (such as structural, functional, and spatial information, amino acid conservation, physicochemical variation, residue mobility, and thermodynamic stability) has been performed for this missense variant. However, the output from this modeling did not meet the statistical confidence thresholds required to predict the impact of this variant on LRP5 protein function. In summary, the available evidence is currently insufficient to determine the role of this variant in disease. Therefore, it has been classified as a Variant of Uncertain Significance.

GeneDx
Classification: Uncertain significance. Last evaluated: 2021-05-04. Review status: criteria provided, single submitter. Criteria: GeneDx Variant Classification Process June 2021. Collection method: clinical testing. Allele origin: germline. Affected: yes.
Comment: Not observed in large population cohorts (Lek et al., 2016); In silico analysis supports that this missense variant has a deleterious effect on protein structure/function; Has not been previously published as pathogenic or benign to our knowledge